The following is an entry in ClinVar:

ClinVar aggregate classification (germline): Conflicting classifications of pathogenicity. Review status: criteria provided, conflicting classifications (1 of 4 stars). 3 submissions from 3 submitters: Likely pathogenic (1); Uncertain significance (1). 1 of the submissions does not count toward it. Last evaluated 2020-06-15.

Conditions:
Intellectual disability, autosomal dominant 9 (NESCAVS). Also called: NESCAV SYNDROME; KIF1A-Related Neurodevelopmental Disorder. Identifiers: Orphanet 662367, MedGen C5393830, MONDO:0013656, OMIM 614255.

Submissions (3):

SIB Swiss Institute of Bioinformatics
Classification: Likely pathogenic for Intellectual disability, autosomal dominant 9. Last evaluated: 2020-06-15. Review status: criteria provided, single submitter. Criteria: ACMG Guidelines, 2015. Collection method: curation. Allele origin: unknown.
Comment: This variant is interpreted as likely pathogenic for NESCAV syndrome, autosomal dominant. The following ACMG Tag(s) were applied: Absent from controls (or at extremely low frequency if recessive) in Exome Sequencing Project, 1000 Genomes Project, or Exome Aggregation Consortium (PM2); Multiple lines of computational evidence support a deleterious effect on the gene or gene product (PP3); Missense variant in a gene that has a low rate of benign missense variation and in which missense variants are a common mechanism of disease (PP2); Novel missense change at an amino acid residue where a different missense change determined to be pathogenic has been seen before (PM5); Assumed de novo, but no confirmation of paternity and maternity (PM6).

Baylor Genetics
Classification: Uncertain significance for Intellectual disability, autosomal dominant 9. Last evaluated: 2017-09-01. Review status: criteria provided, single submitter. Criteria: ACMG Guidelines, 2015. Collection method: clinical testing. Allele origin: de novo. Inheritance: Autosomal unknown. Affected: yes.

CHU Sainte-Justine Research Center, University of Montreal
Classification: Likely pathogenic for Mental retardation, autosomal dominant 9. Last evaluated: 2014-01-01. Review status: no assertion criteria provided. Collection method: clinical testing. Allele origin: de novo. Inheritance: Sporadic. Affected: yes. Observed: 1 variant allele, 1 heterozygote. Not counted in ClinVar's aggregate classification.

Literature cited by the submitters: PubMed 25265257 (cited by SIB Swiss Institute of Bioinformatics and CHU Sainte-Justine Research Center, University of Montreal); PubMed 25326635 (cited by Baylor Genetics).

NM_001244008.2(KIF1A):c.647G>C (p.Arg216Pro)

Gene: KIF1A (kinesin family member 1A; minus strand). Cytogenetic location: 2q37.3.
Variant type: single nucleotide variant.
Coding change: c.647G>C on transcript NM_001244008.2 (MANE Select); coding-DNA position 647, G replaced by C.
Protein change: p.Arg216Pro; replaces arginine 216 with proline.
Molecular consequence: missense variant.
Genome position (GRCh38, 1-based): chr2:240,785,062, C>G on the plus strand (G>C on the coding strand, the complement: KIF1A is on the minus strand). VCF-style: chr2-240785062-C-G. GRCh37 (hg19) VCF-style: chr2-241724479-C-G.
Other names: c.647G>C, p.Arg216Pro (NM_001320705.2, NM_001330289.2, NM_001330290.2 and 20 more transcripts); short protein forms R216P.
Identifiers: ClinVar variation 162058 (VCV000162058.5), dbSNP rs672601368, ClinGen allele CA212630.
Genomic context (GRCh38, chr2:240,785,062, plus strand): 5'-ATATTGGTCTCTGCGTCATGGCGCTTCTGGGTGAAGATGATGTTGAAGACGGCGTGGGAG[C>G]GACTGCTGGTCTCATTCATGTTGGTGGCCGCCACGGTCCTGAGGAGCAGAAAGCCACGCA-3'
Protein context (NP_001230937.1, residues 206-226): AATNMNETSS[Arg216Pro]SHAVFNIIFT